The following is an entry in ClinVar:

NM_000492.4(CFTR):c.3622G>A (p.Gly1208Ser)

Genes: CFTR (CF transmembrane conductance regulator; plus strand), CFTR-AS2 (CFTR antisense RNA 2; minus strand). Cytogenetic location: 7q31.2.
Variant type: single nucleotide variant.
Coding change: c.3622G>A on transcript NM_000492.4 (MANE Select); coding-DNA position 3622, G replaced by A.
Protein change: p.Gly1208Ser; replaces glycine 1208 with serine.
Molecular consequence: missense variant.
Genome position (GRCh38, 1-based): chr7:117,627,675, G>A. VCF-style: chr7-117627675-G-A. GRCh37 (hg19) VCF-style: chr7-117267729-G-A.
Other names: short protein forms G1208S.
Identifiers: ClinVar variation 4827535 (VCV004827535.1).

ClinVar aggregate classification (germline): Uncertain significance (1 of 4 stars; one submission).

Conditions:
Cystic fibrosis (CF). Also called: MUCOVISCIDOSIS. Identifiers: Orphanet 586, MedGen C0010674, MONDO:0009061, OMIM 219700. Disease mechanism: loss of function.

Submission:

Ambry Genetics
Classification: Uncertain significance for Cystic fibrosis. Last evaluated: 2026-03-02. Review status: criteria provided, single submitter. Criteria: Ambry Variant Classification Scheme 2023. Collection method: clinical testing. Allele origin: germline.
Comment: The p.G1208S variant (also known as c.3622G>A), located in coding exon 22 of the CFTR gene, results from a G to A substitution at nucleotide position 3622. The glycine at codon 1208 is replaced by serine, an amino acid with similar properties. This amino acid position is conserved. In addition, this alteration is predicted to be deleterious by in silico analysis. Based on the available evidence, the clinical significance of this variant remains unclear.